The following is an entry in ClinVar:

NM_007294.4(BRCA1):c.1018del (p.Lys339_Val340insTer)

Gene: BRCA1 (BRCA1 DNA repair associated; minus strand). Cytogenetic location: 17q21.31.
Variant type: Deletion.
Coding change: c.1018del on transcript NM_007294.4 (MANE Select); coding-DNA position 1018, one base deleted (G; older notation c.1018delG).
Protein change: p.Lys339_Val340insTer.
Molecular consequence: nonsense. On other transcripts: frameshift variant (1), intron variant (137).
Genome position (GRCh38, 1-based): chr17:43,094,513, C deleted on the plus strand (G on the coding strand, the reverse complement: BRCA1 is on the minus strand); the first of 2 consecutive C bases (chr17:43,094,513-43,094,514); deleting either gives the same sequence. VCF-style (leftmost placement, unchanged base first): chr17-43094512-AC-A. GRCh37 (hg19) VCF-style: chr17-41246529-AC-A.
Other names: 1137delG; c.1018delG (NM_007294.3); c.874del, p.Lys291_Val292insTer (NM_001407847.1, NM_001407848.1, NM_001407849.1 and 20 more transcripts); c.877del, p.Lys292_Val293insTer (NM_001407850.1, NM_001407851.1, NM_001407852.1 and 29 more transcripts); c.805del, p.Lys268_Val269insTer (NM_001407853.1, NM_001407894.1, NM_001407895.1 and 9 more transcripts); c.1018del, p.Lys339_Val340insTer (NM_001407854.1, NM_001407858.1, NM_001407859.1 and 30 more transcripts); c.1015del, p.Lys338_Val339insTer (NM_001407860.1, NM_001407861.1, NM_001407587.1 and 22 more transcripts); c.817del, p.Lys272_Val273insTer (NM_001407862.1); and 42 more.
Identifiers: ClinVar variation 37387 (VCV000037387.30), dbSNP rs80357774, ClinGen allele CA000689.

ClinVar aggregate classification (germline): Pathogenic. Review status: reviewed by expert panel (3 of 4 stars). 12 submissions from 12 submitters: Pathogenic (1). 11 of the submissions do not count toward it. Last evaluated 2016-04-22.

Conditions:
Pancreatic cancer, susceptibility to, 4. Identifiers: Orphanet 1333, MedGen C3280442, MONDO:0013685, OMIM 614320.
Breast-ovarian cancer, familial, susceptibility to, 1 (BROVCA1). Also called: BRCA1 Hereditary Breast and Ovarian Cancer; OVARIAN CANCER, SUSCEPTIBILITY TO. Identifiers: Orphanet 145, MedGen C2676676, MONDO:0011450, OMIM 604370. Disease mechanism: loss of function.
Fanconi anemia, complementation group S (FANCS). Identifiers: MedGen C4554406, MONDO:0054748, OMIM 617883.
Hereditary cancer-predisposing syndrome. Also called: Neoplastic Syndromes, Hereditary; Tumor predisposition; Hereditary neoplastic syndrome; Hereditary Cancer Syndrome. Identifiers: Orphanet 140162, MedGen C0027672, MeSH D009386, MONDO:0015356.
Hereditary breast ovarian cancer syndrome. Also called: Breast and ovarian cancer; Hereditary breast and/or ovarian cancer syndrome; Hereditary breast and ovarian cancer syndrome (HBOC); Hereditary breast and ovarian cancer; Hereditary breast and ovarian cancer syndrome; BRCA1- and BRCA2-Associated Hereditary Breast and Ovarian Cancer. Identifiers: Orphanet 145, MedGen C0677776, MeSH D061325, MONDO:0003582. Disease mechanism: loss of function.

Submissions (12):

Evidence-based Network for the Interpretation of Germline Mutant Alleles (ENIGMA)
Classification: Pathogenic for Breast-ovarian cancer, familial, susceptibility to, 1. Last evaluated: 2016-04-22. Review status: reviewed by expert panel. Criteria: ENIGMA BRCA1/2 Classification Criteria (2015). Collection method: curation. Allele origin: germline.
Comment: Variant allele predicted to encode a truncated non-functional protein.

Color Diagnostics, LLC DBA Color Health
Classification: Pathogenic for Hereditary cancer-predisposing syndrome. Last evaluated: 2025-05-30. Review status: criteria provided, single submitter. Criteria: ACMG Guidelines, 2015. Collection method: clinical testing. Allele origin: germline. Not counted in ClinVar's aggregate classification.
Comment: This variant deletes 1 nucleotide in exon 10 of the BRCA1 gene, creating a frameshift and premature translation stop signal. This variant is expected to result in an absent or non-functional protein product. This variant has been reported in individuals and families affected with breast and/or ovarian cancer (PMID: 9649133, 12601471, 28205045, 33471991Leiden Open Variation Database DB-ID BRCA1_002963Nowlen 2019, dissertation, University of Texas). This variant has not been identified in the general population by the Genome Aggregation Database (gnomAD). Loss of BRCA1 function is a known mechanism of disease. Based on the available evidence, this variant is classified as Pathogenic.

Labcorp Genetics (formerly Invitae), Labcorp
Classification: Pathogenic for Hereditary breast ovarian cancer syndrome. Last evaluated: 2025-05-21. Review status: criteria provided, single submitter. Criteria: Invitae Variant Classification Sherloc (09022015). Collection method: clinical testing. Allele origin: germline. Not counted in ClinVar's aggregate classification.
Comment: This sequence change creates a premature translational stop signal (p.Val340*) in the BRCA1 gene. It is expected to result in an absent or disrupted protein product. Loss-of-function variants in BRCA1 are known to be pathogenic (PMID: 20104584). This variant is not present in population databases (gnomAD no frequency). This variant has not been reported in the literature in individuals affected with BRCA1-related conditions. This variant is also known as 1137delG. ClinVar contains an entry for this variant (Variation ID: 37387). RNA analysis performed to evaluate the impact of this premature translational stop signal on mRNA splicing indicates it does not significantly alter splicing (internal data). For these reasons, this variant has been classified as Pathogenic.

Molecular Pathology, Peter Maccallum Cancer Centre
Classification: Pathogenic for Breast-ovarian cancer, familial, susceptibility to, 1. Last evaluated: 2024-09-10. Review status: criteria provided, single submitter. Criteria: ACMG Guidelines, 2015. Collection method: clinical testing. Allele origin: germline. Inheritance: Autosomal dominant inheritance. Not counted in ClinVar's aggregate classification.

Fulgent Genetics
Classification: Pathogenic for Breast-ovarian cancer, familial, susceptibility to, 1; Pancreatic cancer, susceptibility to, 4; Fanconi anemia, complementation group S. Last evaluated: 2024-06-22. Review status: criteria provided, single submitter. Criteria: ACMG Guidelines, 2015. Collection method: clinical testing. Allele origin: germline. Not counted in ClinVar's aggregate classification.

Ambry Genetics
Classification: Pathogenic for Hereditary cancer-predisposing syndrome. Last evaluated: 2023-05-30. Review status: criteria provided, single submitter. Criteria: Ambry Variant Classification Scheme 2023. Collection method: clinical testing. Allele origin: germline. Not counted in ClinVar's aggregate classification.
Comment: The c.1018delG variant, located in coding exon 9 of the BRCA1 gene, results from a deletion of one nucleotide at nucleotide position 1018, causing a translational frameshift with a predicted alternate stop codon (p.V340*). This alteration has been reported in numerous breast and/or ovarian cancer families (Eccles DM et al. Br. J. Cancer, 1998 Jun;77:2199-203; Scott CL et al. Hum. Genet., 2003 May;112:542-51; Judkins T et al. Cancer Res. 2005 Nov;65:10096-103; Park B et al. Breast Cancer Res. Treat., 2017 May;163:139-150). Of note, this alteration is also designated as 1137delG in the published literature. In addition to the clinical data presented in the literature, this alteration is expected to result in loss of function by premature protein truncation or nonsense-mediated mRNA decay. As such, this alteration is interpreted as a disease-causing mutation.

Baylor Genetics
Classification: Pathogenic for Breast-ovarian cancer, familial, susceptibility to, 1. Last evaluated: 2023-05-07. Review status: criteria provided, single submitter. Criteria: ACMG Guidelines, 2015. Collection method: clinical testing. Allele origin: unknown. Not counted in ClinVar's aggregate classification.

GeneDx
Classification: Pathogenic. Last evaluated: 2020-11-10. Review status: criteria provided, single submitter. Criteria: GeneDx Variant Classification Process June 2021. Collection method: clinical testing. Allele origin: germline. Affected: yes. Not counted in ClinVar's aggregate classification.
Comment: Nonsense variant predicted to result in protein truncation or nonsense mediated decay in a gene for which loss-of-function is a known mechanism of disease; Reported in association with breast and ovarian cancer (Eccles 1998, Scott 2003, Rebbeck 2018); Not observed in large population cohorts (Lek 2016); Truncating variants in this gene are considered pathogenic by a well-established clinical consortium and/or database; Also known as c.1137delG; This variant is associated with the following publications: (PMID: 10872502, 12601471, 9649133, 24094589, 28205045, 29446198)

Consortium of Investigators of Modifiers of BRCA1/2 (CIMBA), c/o University of Cambridge
Classification: Pathogenic for Breast-ovarian cancer, familial, susceptibility to, 1. Last evaluated: 2015-10-02. Review status: criteria provided, single submitter. Criteria: CIMBA Mutation Classification guidelines May 2016. Collection method: clinical testing. Allele origin: germline. Not counted in ClinVar's aggregate classification.

Research Molecular Genetics Laboratory, Women's College Hospital, University of Toronto
Classification: Pathogenic for Hereditary breast ovarian cancer syndrome. Last evaluated: 2014-01-31. Review status: no assertion criteria provided. Collection method: research. Allele origin: germline. Affected: yes. Study: The Canadian Open Genetics Repository (COGR). Not counted in ClinVar's aggregate classification.

Sharing Clinical Reports Project (SCRP)
Classification: Pathogenic for Breast-ovarian cancer, familial 1. Last evaluated: 2012-05-01. Review status: no assertion criteria provided. Collection method: clinical testing. Allele origin: germline. Not counted in ClinVar's aggregate classification.

Breast Cancer Information Core (BIC) (BRCA1)
Classification: Pathogenic for Breast-ovarian cancer, familial 1. Last evaluated: 2002-05-29. Review status: no assertion criteria provided. Collection method: clinical testing. Allele origin: germline. Affected: yes. Observed: 8 variant alleles. Not counted in ClinVar's aggregate classification.

Literature cited by the submitters: PubMed 9649133 (cited by Color Diagnostics, LLC DBA Color Health and Ambry Genetics); PubMed 12601471 (cited by Color Diagnostics, LLC DBA Color Health and Ambry Genetics); PubMed 28205045 (cited by Color Diagnostics, LLC DBA Color Health and Ambry Genetics); PubMed 33471991 (cited by Color Diagnostics, LLC DBA Color Health); PubMed 20104584 (cited by Labcorp Genetics (formerly Invitae), Labcorp); PubMed 29446198 (cited by Ambry Genetics).